The following is an entry in ClinVar:

ClinVar aggregate classification (germline): Likely benign. Review status: criteria provided, multiple submitters, no conflicts (2 of 4 stars). 2 submissions from 2 submitters: Likely benign (2). Last evaluated 2024-09-03.

Conditions:
Long QT syndrome (LQTS). Identifiers: MedGen C0023976, MeSH D008133, MONDO:0002442. Disease mechanism: loss of function. Inheritance: Various modes of inheritance.

Allele frequency attached by ClinVar (database versions not stated): gnomAD exomes below 0.00001.
gnomAD v4.1: 3 of 1,614,100 alleles (0.00019%); highest among the groups gnomAD compares: South Asian, 0.0033%; no homozygotes.

Submissions (2):

Labcorp Genetics (formerly Invitae), Labcorp
Classification: Likely benign for Long QT syndrome. Last evaluated: 2024-09-03. Review status: criteria provided, single submitter. Criteria: Invitae Variant Classification Sherloc (09022015). Collection method: clinical testing. Allele origin: germline.

All of Us Research Program, National Institutes of Health
Classification: Likely benign for Long QT syndrome. Last evaluated: 2023-12-18. Review status: criteria provided, single submitter. Criteria: ACMG Guidelines, 2015. Collection method: clinical testing. Allele origin: germline. Inheritance: Autosomal dominant inheritance. Observed: 1 variant allele, 1 heterozygote.
Comment: This study involves interpretation of variants in research participants for the purpose of population health screening. Participant phenotype was not available at the time of variant classification. Additional details can be found in publication PMID: 35346344, PMCID: PMC8962531

NM_000218.3(KCNQ1):c.1065G>A (p.Val355=)

Gene: KCNQ1 (potassium voltage-gated channel subfamily Q member 1; plus strand). Cytogenetic location: 11p15.5.
Variant type: single nucleotide variant.
Coding change: c.1065G>A on transcript NM_000218.3 (MANE Select); coding-DNA position 1065, G replaced by A.
Protein change: p.Val355=; no amino-acid change (valine 355 retained).
Molecular consequence: synonymous variant. On other transcripts: intron variant (2).
Genome position (GRCh38, 1-based): chr11:2,585,244, G>A. VCF-style: chr11-2585244-G-A. GRCh37 (hg19) VCF-style: chr11-2606474-G-A.
Other names: c.795G>A, p.Val265= (NM_001406837.1); c.684G>A, p.Val228= (NM_181798.2); c.1032+1699G>A (NM_001406836.1); c.588+1699G>A (NM_001406838.1).
Identifiers: ClinVar variation 3075141 (VCV003075141.3), dbSNP rs2493700765, ClinGen allele CA472038491.